The following is an entry in ClinVar:

NM_145239.3(PRRT2):c.971del (p.Gly324fs)

Genes: MVP-DT (MVP divergent transcript; minus strand), PRRT2 (proline rich transmembrane protein 2; plus strand). Cytogenetic location: 16p11.2.
Variant type: Deletion.
Coding change: c.971del on transcript NM_145239.3 (MANE Select); coding-DNA position 971, one base deleted (G; older notation c.971delG).
Protein change: p.Gly324fs; shifts the reading frame from glycine 324.
Molecular consequence: frameshift variant. On other transcripts: 3 prime UTR variant (1).
Genome position (GRCh38, 1-based): chr16:29,814,424, G deleted; the last of 6 consecutive G bases (chr16:29,814,419-29,814,424); deleting any one gives the same sequence. VCF-style (leftmost placement, unchanged base first): chr16-29814418-TG-T. GRCh37 (hg19) VCF-style: chr16-29825739-TG-T.
Other names: c.971del, p.Gly324fs (NM_001256442.2); c.*470del (NM_001256443.2); c.971del (NM_145239.2); short protein forms G324fs.
Identifiers: ClinVar variation 206696 (VCV000206696.40), dbSNP rs796052941, ClinGen allele CA317045.
Genomic context (GRCh38, chr16:29,814,418, plus strand): 5'-ACGTGGACGGGGCCCAGCGTCTGGGCCGGGTAGCCAAGCTCTTAAGCATCGTGGCGCTGG[TG>T]GGGGGAGTCCTCATCATCATCGCCTCCTGCGTCATCAACTTAGGCGGTGAGTGGGGGCTT-3'

ClinVar aggregate classification (germline): Pathogenic/Likely pathogenic. Review status: criteria provided, multiple submitters, no conflicts (2 of 4 stars). 6 submissions from 6 submitters: Pathogenic (3); Likely pathogenic (3). Last evaluated 2025-01-23.

Conditions:
Infantile convulsions and choreoathetosis (ICCA). Also called: PRRT2-Related Paroxysmal Kinesigenic Dyskinesia with Infantile Convulsions (PKD/IC); PAROXYSMAL KINESIGENIC DYSKINESIA WITH INFANTILE CONVULSIONS. Identifiers: Orphanet 31709, MedGen C1865926, MONDO:0011178, OMIM 602066.
Episodic kinesigenic dyskinesia 1 (EKD1). Also called: DYSTONIA, FAMILIAL PAROXYSMAL; Dystonia 10; PRRT2-Related Paroxysmal Kinesigenic Dyskinesia (PKD); PxMD-PRRT2; PAROXYSMAL KINESIGENIC CHOREOATHETOSIS. Identifiers: Orphanet 98809, MedGen C4552000, MONDO:0100352, OMIM 128200, MONDO:0007494.
Seizures, benign familial infantile, 2 (BFIS2). Also called: CONVULSIONS, BENIGN FAMILIAL INFANTILE, 2. Identifiers: Orphanet 306, MedGen C1853995, MONDO:0011593, OMIM 605751.
Episodic kinesigenic dyskinesia (EKD). Also called: Paroxysmal kinesigenic dyskinesia. Identifiers: Orphanet 98809, MedGen C1868682, MONDO:0044202.

Submissions (6):

Labcorp Genetics (formerly Invitae), Labcorp
Classification: Pathogenic for Episodic kinesigenic dyskinesia. Last evaluated: 2025-01-23. Review status: criteria provided, single submitter. Criteria: Invitae Variant Classification Sherloc (09022015). Collection method: clinical testing. Allele origin: germline.
Comment: This sequence change creates a premature translational stop signal (p.Gly324Glufs*13) in the PRRT2 gene. While this is not anticipated to result in nonsense mediated decay, it is expected to disrupt the last 17 amino acid(s) of the PRRT2 protein. This variant is present in population databases (rs796052941, gnomAD 0.01%). This premature translational stop signal has been observed in individual(s) with PRRT2-related conditions (PMID: 30386286). ClinVar contains an entry for this variant (Variation ID: 206696). This variant disrupts a region of the PRRT2 protein in which other variant(s) (p.Ile327Met) have been determined to be pathogenic (PMID: 2131349, 23496026, 24609974, 24886244). This suggests that this is a clinically significant region of the protein, and that variants that disrupt it are likely to be disease-causing. For these reasons, this variant has been classified as Pathogenic.

GeneDx
Classification: Likely pathogenic. Last evaluated: 2024-07-30. Review status: criteria provided, single submitter. Criteria: GeneDx Variant Classification Process June 2021. Collection method: clinical testing. Allele origin: germline. Affected: yes.
Comment: Identified in a patient with seizures referred for genetic testing at GeneDx (PMID: 29655203); Frameshift variant predicted to result in abnormal protein length as the last 17 amino acids are replaced with 12 different amino acids, and other similar variants have been reported in HGMD; Not observed at significant frequency in large population cohorts (gnomAD); This variant is associated with the following publications: (PMID: 30386286, 32613771, 31440721, 34926809, 36801247, 29655203)

CeGaT Center for Human Genetics Tuebingen
Classification: Likely pathogenic. Last evaluated: 2023-07-01. Review status: criteria provided, single submitter. Criteria: CeGaT Center For Human Genetics Tuebingen Variant Classification Criteria Version 2. Collection method: clinical testing. Allele origin: germline. Affected: yes. Observed: 1 variant allele.
Comment: PRRT2: PM2, PS4:Moderate, PVS1:Moderate, PP4

Mendelics
Classification: Pathogenic for Episodic kinesigenic dyskinesia 1. Last evaluated: 2022-05-04. Review status: criteria provided, single submitter. Criteria: Mendelics Assertion Criteria 2019. Collection method: clinical testing. Allele origin: germline.

Juno Genomics, Hangzhou Juno Genomics, Inc
Classification: Likely pathogenic for Infantile convulsions and choreoathetosis; Episodic kinesigenic dyskinesia 1; Seizures, benign familial infantile, 2. Review status: criteria provided, single submitter. Criteria: ACMG Guidelines, 2015. Collection method: clinical testing. Allele origin: germline. Affected: yes.
Comment: Absent from controls (or at extremely low frequency if recessive) in Genome Aggregation Database.;Null variant in a gene where loss of function (LOF) is a known mechanism of disease.;The prevalence of the variant in affected individuals is significantly increased compared to the prevalence in controls.

Neuberg Centre For Genomic Medicine, NCGM
Classification: Pathogenic for Seizures, benign familial infantile, 2. Review status: criteria provided, single submitter. Criteria: ACMG Guidelines, 2015. Collection method: clinical testing. Allele origin: germline. Affected: yes.
Comment: The frameshift deletion p.G324Efs*13 in PRRT2 (NM_145239.2) has been observed before in a patient with paroxysmal kinesigenic dyskinesia (Liu YT et al). It has been submitted to ClinVar as Likely Pathogenic. Other missense variants occuring at this residue have been deemed to be disease causing (Tsai MH et al). The p.G324Efs*13 variant is novel not in any individuals) in gnomAD Exomes and is novel (not in any individuals) in 1000 Genomes. This variant is predicted to cause loss of normal protein function through protein truncation caused a frameshift mutation. The frame shifted sequence continues 13 residues until a stop codon is reached. For these reasons, this variant has been classified as Pathogenic.

Literature cited by the submitters: PubMed 30386286 (cited by Labcorp Genetics (formerly Invitae), Labcorp); PubMed 2131349 (cited by Labcorp Genetics (formerly Invitae), Labcorp); PubMed 23496026 (cited by Labcorp Genetics (formerly Invitae), Labcorp); PubMed 24609974 (cited by Labcorp Genetics (formerly Invitae), Labcorp); PubMed 24886244 (cited by Labcorp Genetics (formerly Invitae), Labcorp).